The following is an entry in ClinVar:

ClinVar aggregate classification (germline): Benign. Review status: criteria provided, multiple submitters, no conflicts (2 of 4 stars). 3 submissions from 3 submitters: Benign (2). 1 of the submissions does not count toward it. Last evaluated 2018-06-19.

Allele frequency attached by ClinVar (database versions not stated): 1000 Genomes Project 30x 0.24500; gnomAD 0.17514 and 0.18018; 1000 Genomes Project 0.23462; TOPMed 0.19386.
gnomAD v4.1: 26,362 of 151,988 alleles (17%); highest among the groups gnomAD compares: African/African-American, 49%; 5,424 homozygotes.

Submissions (3):

GeneDx
Classification: Benign. Last evaluated: 2018-06-19. Review status: criteria provided, single submitter. Criteria: GeneDx Variant Classification (06012015). Collection method: clinical testing. Allele origin: germline. Affected: yes.
Comment: This variant is considered likely benign or benign based on one or more of the following criteria: it is a conservative change, it occurs at a poorly conserved position in the protein, it is predicted to be benign by multiple in silico algorithms, and/or has population frequency not consistent with disease.

Breakthrough Genomics
Classification: Benign. Review status: criteria provided, single submitter. Criteria: ACMG Guidelines, 2015. Collection method: not provided. Allele origin: germline. Inheritance: Autosomal recessive inheritance. Affected: yes.

Leiden Muscular Dystrophy (TNNT1)
No classification provided. Last evaluated: 2012-03-18. Review status: no classification provided. Collection method: curation. Allele origin: germline. Not counted in ClinVar's aggregate classification.

NM_003283.6(TNNT1):c.611+201C>T

Gene: TNNT1 (troponin T1, slow skeletal type; minus strand). Cytogenetic location: 19q13.42.
Variant type: single nucleotide variant.
Coding change: c.611+201C>T on transcript NM_003283.6 (MANE Select); 201 bases into the intron after coding-DNA position 611, C replaced by T.
Molecular consequence: intron variant.
Genome position (GRCh38, 1-based): chr19:55,136,902, G>A on the plus strand (C>T on the coding strand, the complement: TNNT1 is on the minus strand). VCF-style: chr19-55136902-G-A. GRCh37 (hg19) VCF-style: chr19-55648270-G-A.
Other names: c.578+201C>T (NM_001126133.3, NM_001291774.2); c.611+201C>T (NM_001126132.3).
Identifiers: ClinVar variation 31860 (VCV000031860.5), dbSNP rs3760873, ClinGen allele CA215418.